The following is an entry in ClinVar:

NC_000017.10:g.(?_17116959)_(17140502_?)dup

Gene: FLCN (folliculin; minus strand). Cytogenetic location: 17p11.2.
Variant type: Duplication.
Identifiers: ClinVar variation 639366 (VCV000639366.1).

ClinVar aggregate classification (germline): Uncertain significance (1 of 4 stars; one submission).

Conditions:
Birt-Hogg-Dube syndrome. Also called: Birt Hogg Dubé syndrome. Identifiers: Orphanet 122, MedGen C0346010, MONDO:0800444.

Submission:

Labcorp Genetics (formerly Invitae), Labcorp
Classification: Uncertain significance for Multiple fibrofolliculomas. Last evaluated: 2018-11-30. Review status: criteria provided, single submitter. Criteria: Invitae Variant Classification Sherloc (09022015). Collection method: clinical testing. Allele origin: germline.
Comment: A gross duplication of the genomic region encompassing the full coding sequence of the FLCN gene has been identified. The boundaries of this event are unknown as the duplication extends beyond the assayed region for this gene and therefore may encompass additional genes. As the precise location of this duplication is unknown, it may be in tandem or it may be located elsewhere in the genome. This copy number variant has not been reported in the literature in individuals with FLCN-related disease. Experimental studies are not available for this duplciation, and the functional significance of an extra copy of the FLCN gene is currently unknown. In summary, the available evidence is currently insufficient to determine the role of this variant in disease. Therefore, it has been classified as a Variant of Uncertain Significance.